The following is an entry in ClinVar:

ClinVar aggregate classification (germline): Uncertain significance (1 of 4 stars; one submission).

Conditions:
Hereditary cancer-predisposing syndrome. Also called: Hereditary neoplastic syndrome; Hereditary Cancer Syndrome; Neoplastic Syndromes, Hereditary; Tumor predisposition. Identifiers: Orphanet 140162, MedGen C0027672, MeSH D009386, MONDO:0015356.

Allele frequency attached by ClinVar (database versions not stated): gnomAD exomes below 0.00001.

Submission:

Color Diagnostics, LLC DBA Color Health
Classification: Uncertain significance for Hereditary cancer-predisposing syndrome. Last evaluated: 2022-03-21. Review status: criteria provided, single submitter. Criteria: ACMG Guidelines, 2015. Collection method: clinical testing. Allele origin: germline.
Comment: This missense variant replaces isoleucine with threonine at codon 500 of the ATM protein. Computational prediction suggests that this variant may not impact protein structure and function (internally defined REVEL score threshold <= 0.5, PMID: 27666373). To our knowledge, functional studies have not been reported for this variant. This variant has not been reported in individuals affected with hereditary cancer in the literature. This variant has not been identified in the general population by the Genome Aggregation Database (gnomAD). The available evidence is insufficient to determine the role of this variant in disease conclusively. Therefore, this variant is classified as a Variant of Uncertain Significance.

NM_000051.4(ATM):c.1499T>C (p.Ile500Thr)

Gene: ATM (ATM serine/threonine kinase; plus strand). Cytogenetic location: 11q22.3.
Variant type: single nucleotide variant.
Coding change: c.1499T>C on transcript NM_000051.4 (MANE Select); coding-DNA position 1499, T replaced by C.
Protein change: p.Ile500Thr; replaces isoleucine 500 with threonine.
Molecular consequence: missense variant.
Genome position (GRCh38, 1-based): chr11:108,250,964, T>C. VCF-style: chr11-108250964-T-C. GRCh37 (hg19) VCF-style: chr11-108121691-T-C.
Other names: c.1499T>C, p.Ile500Thr (NM_001351834.2); short protein forms I500T.
Identifiers: ClinVar variation 2774125 (VCV002774125.2), dbSNP rs2135324867, ClinGen allele CA382534229.